The following is an entry in ClinVar:

ClinVar aggregate classification (germline): Uncertain significance. Review status: criteria provided, multiple submitters, no conflicts (2 of 4 stars). 2 submissions from 2 submitters: Uncertain significance (2). Last evaluated 2025-05-16.

Submissions (2):

Ambry Genetics
Classification: Uncertain significance. Last evaluated: 2025-05-16. Review status: criteria provided, single submitter. Criteria: Ambry Variant Classification Scheme 2023. Collection method: clinical testing. Allele origin: germline.
Comment: The p.S329G variant (also known as c.985A>G), located in coding exon 10 of the SRP72 gene, results from an A to G substitution at nucleotide position 985. The serine at codon 329 is replaced by glycine, an amino acid with similar properties. This amino acid position is conserved. In addition, this alteration is predicted to be tolerated by in silico analysis. Based on the available evidence, the clinical significance of this variant remains unclear.

Labcorp Genetics (formerly Invitae), Labcorp
Classification: Uncertain significance. Last evaluated: 2022-11-01. Review status: criteria provided, single submitter. Criteria: Invitae Variant Classification Sherloc (09022015). Collection method: clinical testing. Allele origin: germline.
Comment: This variant is not present in population databases (gnomAD no frequency). In summary, the available evidence is currently insufficient to determine the role of this variant in disease. Therefore, it has been classified as a Variant of Uncertain Significance. Advanced modeling of protein sequence and biophysical properties (such as structural, functional, and spatial information, amino acid conservation, physicochemical variation, residue mobility, and thermodynamic stability) performed at Invitae indicates that this missense variant is not expected to disrupt SRP72 protein function. ClinVar contains an entry for this variant (Variation ID: 1522008). This variant has not been reported in the literature in individuals affected with SRP72-related conditions. This sequence change replaces serine, which is neutral and polar, with glycine, which is neutral and non-polar, at codon 329 of the SRP72 protein (p.Ser329Gly).

NM_006947.4(SRP72):c.985A>G (p.Ser329Gly)

Gene: SRP72 (signal recognition particle 72; plus strand). Cytogenetic location: 4q12.
Variant type: single nucleotide variant.
Coding change: c.985A>G on transcript NM_006947.4 (MANE Select); coding-DNA position 985, A replaced by G.
Protein change: p.Ser329Gly; replaces serine 329 with glycine.
Molecular consequence: missense variant. On other transcripts: non-coding transcript variant (1).
Genome position (GRCh38, 1-based): chr4:56,484,763, A>G. VCF-style: chr4-56484763-A-G. GRCh37 (hg19) VCF-style: chr4-57350929-A-G.
Other names: c.802A>G, p.Ser268Gly (NM_001267722.2); c.985A>G (NM_006947.3); short protein forms S329G, S268G.
Identifiers: ClinVar variation 1522008 (VCV001522008.9), dbSNP rs2110122897, ClinGen allele CA356999833.